The following is an entry in ClinVar:

ClinVar aggregate classification (germline): Likely pathogenic. Review status: criteria provided, single submitter (1 of 4 stars). 2 submissions from 2 submitters: Likely pathogenic (1). 1 of the submissions does not count toward it. Last evaluated 2024-12-04.

Conditions:
Kleefstra syndrome 2 (KLEFS2). Identifiers: MedGen C4540395, MONDO:0054701, OMIM 617768.

Submissions (2):

GeneDx
Classification: Likely pathogenic. Last evaluated: 2024-12-04. Review status: criteria provided, single submitter. Criteria: GeneDx Variant Classification Process June 2021. Collection method: clinical testing. Allele origin: germline. Affected: yes.
Comment: Nonsense variant predicted to result in protein truncation or nonsense mediated decay in a gene for which loss of function is a known mechanism of disease; Not observed at significant frequency in large population cohorts (gnomAD); Has not been previously published as pathogenic or benign to our knowledge

Genetics Laboratory, The Affiliated Women's and Children's Hospital of Qingdao University
Classification: Pathogenic for Kleefstra syndrome 2. Last evaluated: 2024-01-13. Review status: no assertion criteria provided. Collection method: research. Allele origin: germline. Inheritance: Autosomal dominant inheritance. Affected: yes. Not counted in ClinVar's aggregate classification.
Comment: The c.568C>T (exon4, NM_170606.3), resulting in amino acid change p.Arg190Ter, a nonsense variant. It is a de novo variant. In silico evaluation indicates that the Arg190Ter variant results in the loss of protein structures (including α-helices, β-folds, and loop regions) starting from amino acid 190 onwards. In summary, the c.568C>T (exon4, NM_170606.3)variant meets our criteria to be classified as pathogenic.

NM_170606.3(KMT2C):c.568C>T (p.Arg190Ter)

Gene: KMT2C (lysine methyltransferase 2C; minus strand). Cytogenetic location: 7q36.1.
Variant type: single nucleotide variant.
Coding change: c.568C>T on transcript NM_170606.3 (MANE Select); coding-DNA position 568, C replaced by T.
Protein change: p.Arg190Ter; replaces arginine 190 with a stop codon.
Molecular consequence: nonsense.
Genome position (GRCh38, 1-based): chr7:152,315,160, G>A on the plus strand (C>T on the coding strand, the complement: KMT2C is on the minus strand). VCF-style: chr7-152315160-G-A. GRCh37 (hg19) VCF-style: chr7-152012245-G-A.
Other names: c.568C>T (NM_170606.2); short protein forms R190*.
Identifiers: ClinVar variation 3340143 (VCV003340143.3).